The following is an entry in ClinVar:

ClinVar aggregate classification (germline): Benign (1 of 4 stars; one submission).

Conditions:
Microcytic anemia. Identifiers: MedGen C5194182, MONDO:0001245, HP:0001935. Disease mechanism: loss of function.

Allele frequency attached by ClinVar (database versions not stated): gnomAD 0.00052 and 0.00095; TOPMed 0.00079; gnomAD exomes 0.00186; 1000 Genomes Project 30x 0.00375; 1000 Genomes Project 0.00379.
gnomAD v4.1: 163 of 163,052 alleles (0.1%); highest among the groups gnomAD compares: East Asian, 1.8%; 6 homozygotes.

Submission:

Illumina Laboratory Services, Illumina
Classification: Benign for Iron-refractory iron deficiency anemia. Last evaluated: 2018-01-13. Review status: criteria provided, single submitter. Criteria: ICSL Variant Classification Criteria 13 December 2019. Collection method: clinical testing. Allele origin: germline.
Comment: This variant was observed in the ICSL laboratory as part of a predisposition screen in an ostensibly healthy population. It had not been previously curated by ICSL or reported in the Human Gene Mutation Database (HGMD: prior to June 1st, 2018), and was therefore a candidate for classification through an automated scoring system. Utilizing variant allele frequency, disease prevalence and penetrance estimates, and inheritance mode, an automated score was calculated to assess if this variant is too frequent to cause the disease. Based on the score and internal cut-off values, a variant classified as benign is not then subjected to further curation. The score for this variant resulted in a classification of benign for this disease.

NM_001374504.1(TMPRSS6):c.*503C>G

Gene: TMPRSS6 (transmembrane serine protease 6; minus strand). Cytogenetic location: 22q12.3.
Variant type: single nucleotide variant.
Coding change: c.*503C>G on transcript NM_001374504.1 (MANE Select); 503 bases downstream of the stop codon, C replaced by G.
Molecular consequence: 3 prime UTR variant.
Genome position (GRCh38, 1-based): chr22:37,065,577, G>C on the plus strand (C>G on the coding strand, the complement: TMPRSS6 is on the minus strand). VCF-style: chr22-37065577-G-C. GRCh37 (hg19) VCF-style: chr22-37461617-G-C.
Other names: c.*503C>G (NM_001289000.2, NM_001289001.2, NM_153609.4).
Identifiers: ClinVar variation 341571 (VCV000341571.5), dbSNP rs117575523, ClinGen allele CA10645472.
Genomic context (GRCh38, chr22:37,065,577, plus strand): 5'-GCAGGGGTGGGGCAAGGACCCTGGAGTCAGGACTTCCCCACCTTTTGGCTTACAGTGGCA[G>C]CAGGCCCACCTGGCAGTCTCCAGGGCTCTGAGGGTCCCCTCCGATGGGAGCACCTTCCAT-3'